The following is an entry in ClinVar:

ClinVar aggregate classification (germline): Uncertain significance (1 of 4 stars; one submission).

Conditions:
Fanconi anemia (FA). Also called: Fanconi's anemia. Identifiers: Orphanet 84, MedGen C0015625, MeSH D005199, MONDO:0019391.

Submission:

Labcorp Genetics (formerly Invitae), Labcorp
Classification: Uncertain significance for Fanconi anemia. Last evaluated: 2022-03-23. Review status: criteria provided, single submitter. Criteria: Invitae Variant Classification Sherloc (09022015). Collection method: clinical testing. Allele origin: germline.
Comment: This variant results in a copy number gain of the genomic region encompassing exon(s) 39-42 of the FANCA gene. While the exact position of this variant cannot be determined from the data, sub-genic copy number gains are generally in tandem (PMID: 25640679). This variant is predicted to be in-frame, and likely preserves the integrity of the reading frame. This variant has not been reported in the literature in individuals affected with FANCA-related conditions. Experimental studies and prediction algorithms are not available or were not evaluated, and the functional significance of this variant is currently unknown. In summary, the available evidence is currently insufficient to determine the role of this variant in disease. Therefore, it has been classified as a Variant of Uncertain Significance.

Literature cited by the submitters: PubMed 25640679.

NC_000016.9:g.(?_89805270)_(89806527_?)dup

Genes: FANCA (FA complementation group A; minus strand), ZNF276 (zinc finger protein 276; plus strand). Cytogenetic location: 16q24.3.
Variant type: Duplication.
Identifiers: ClinVar variation 2422427 (VCV002422427.3).